The following is an entry in ClinVar:

ClinVar aggregate classification (germline): Uncertain significance (1 of 4 stars; one submission).

Submission:

Ambry Genetics
Classification: Uncertain significance. Last evaluated: 2024-10-19. Review status: criteria provided, single submitter. Criteria: Ambry Variant Classification Scheme 2023. Collection method: clinical testing. Allele origin: germline.
Comment: The p.D367E variant (also known as c.1101C>A), located in coding exon 3 of the TERF2IP gene, results from a C to A substitution at nucleotide position 1101. The aspartic acid at codon 367 is replaced by glutamic acid, an amino acid with highly similar properties. This amino acid position is conserved. In addition, this alteration is predicted to be deleterious by in silico analysis. Based on the available evidence, the clinical significance of this variant remains unclear.

NM_018975.4(TERF2IP):c.1101C>A (p.Asp367Glu)

Gene: TERF2IP (TERF2 interacting protein; plus strand). Cytogenetic location: 16q23.1.
Variant type: single nucleotide variant.
Coding change: c.1101C>A on transcript NM_018975.4 (MANE Select); coding-DNA position 1101, C replaced by A.
Protein change: p.Asp367Glu; replaces aspartic acid 367 with glutamic acid.
Molecular consequence: missense variant. On other transcripts: non-coding transcript variant (1).
Genome position (GRCh38, 1-based): chr16:75,656,512, C>A. VCF-style: chr16-75656512-C-A. GRCh37 (hg19) VCF-style: chr16-75690410-C-A.
Other names: short protein forms D367E.
Identifiers: ClinVar variation 3455128 (VCV003455128.1).